The following is an entry in ClinVar:

NM_000179.3(MSH6):c.1018T>C (p.Phe340Leu)

Gene: MSH6 (mutS homolog 6; plus strand). Cytogenetic location: 2p16.3.
Variant type: single nucleotide variant.
Coding change: c.1018T>C on transcript NM_000179.3 (MANE Select); coding-DNA position 1018, T replaced by C.
Protein change: p.Phe340Leu; replaces phenylalanine 340 with leucine.
Molecular consequence: missense variant.
Genome position (GRCh38, 1-based): chr2:47,799,001, T>C. VCF-style: chr2-47799001-T-C. GRCh37 (hg19) VCF-style: chr2-48026140-T-C.
Other names: c.628T>C, p.Phe210Leu (NM_001281492.2); c.112T>C, p.Phe38Leu (NM_001281493.2, NM_001281494.2, NM_001406812.1 and 6 more transcripts); c.1114T>C, p.Phe372Leu (NM_001406795.1, NM_001406802.1); c.1018T>C, p.Phe340Leu (NM_001406796.1, NM_001406798.1, NM_001406800.1 and 4 more transcripts); c.721T>C, p.Phe241Leu (NM_001406797.1, NM_001406818.1, NM_001406819.1 and 10 more transcripts); c.493T>C, p.Phe165Leu (NM_001406799.1, NM_001406806.1, NM_001406807.1); c.1024T>C, p.Phe342Leu (NM_001406813.1); c.850T>C, p.Phe284Leu (NM_001406826.1); and 1 more; short protein forms F165L, F210L, F241L, F284L, F314L, F340L, F342L, F372L.
Identifiers: ClinVar variation 1720395 (VCV001720395.6), dbSNP rs2104313823, ClinGen allele CA346741317.
Genomic context (GRCh38, chr2:47,799,001, plus strand): 5'-CCCTCAGCCACCAAACAAGCAACTAGCATTTCATCAGAAACCAAGAATACTTTGAGAGCT[T>C]TCTCTGCCCCTCAAAATTCTGAATCCCAAGCCCACGTTAGTGGAGGTGGTGATGACAGTA-3'
Protein context (NP_000170.1, residues 330-350): SSETKNTLRA[Phe340Leu]SAPQNSESQA

ClinVar aggregate classification (germline): Uncertain significance (1 of 4 stars; one submission).

Conditions:
Hereditary nonpolyposis colorectal neoplasms. Identifiers: MedGen C0009405, MeSH D003123.

Allele frequency attached by ClinVar (database versions not stated): gnomAD exomes below 0.00001.
gnomAD v4.1: 1 of 1,614,234 alleles (0.000062%); highest among the groups gnomAD compares: Non-Finnish European, 0.000085%; no homozygotes.

Submission:

Labcorp Genetics (formerly Invitae), Labcorp
Classification: Uncertain significance for Hereditary nonpolyposis colorectal neoplasms. Last evaluated: 2022-09-26. Review status: criteria provided, single submitter. Criteria: Invitae Variant Classification Sherloc (09022015). Collection method: clinical testing. Allele origin: germline.
Comment: This sequence change replaces phenylalanine, which is neutral and non-polar, with leucine, which is neutral and non-polar, at codon 340 of the MSH6 protein (p.Phe340Leu). This variant is not present in population databases (gnomAD no frequency). This variant has not been reported in the literature in individuals affected with MSH6-related conditions. Advanced modeling of protein sequence and biophysical properties (such as structural, functional, and spatial information, amino acid conservation, physicochemical variation, residue mobility, and thermodynamic stability) performed at Invitae indicates that this missense variant is not expected to disrupt MSH6 protein function. In summary, the available evidence is currently insufficient to determine the role of this variant in disease. Therefore, it has been classified as a Variant of Uncertain Significance.